The following is an entry in ClinVar:

NM_003200.5(TCF3):c.1450+6C>A

Gene: TCF3 (transcription factor 3; minus strand). Cytogenetic location: 19p13.3.
Variant type: single nucleotide variant.
Coding change: c.1450+6C>A on transcript NM_003200.5 (MANE Select); 6 bases into the intron after coding-DNA position 1450, C replaced by A.
Molecular consequence: intron variant.
Genome position (GRCh38, 1-based): chr19:1,619,105, G>T on the plus strand (C>A on the coding strand, the complement: TCF3 is on the minus strand). VCF-style: chr19-1619105-G-T. GRCh37 (hg19) VCF-style: chr19-1619104-G-T.
Other names: c.1447+6C>A (NM_001351778.2); c.1450+6C>A (NM_001136139.4, NM_001351779.2, NM_003200.3).
Identifiers: ClinVar variation 1513899 (VCV001513899.8), dbSNP rs1471157814, ClinGen allele CA631058027.
Genomic context (GRCh38, chr19:1,619,105, plus strand): 5'-CACTAGAGTGCCTCAGTTTCCCCAACTGGAACCAGGAGTCGGACAGTCCCAAGCTCAAGG[G>T]CTTACCACTGTAGGAGTCGGGAGGCCGAGACAGGTCAGGGAGGGTGCCTGGCTGGCTGGG-3'

ClinVar aggregate classification (germline): Uncertain significance. Review status: criteria provided, single submitter (1 of 4 stars). 2 submissions from 2 submitters: Uncertain significance (1). 1 of the submissions does not count toward it. Last evaluated 2025-11-11.

Conditions:
TCF3-related disorder. Also called: TCF3-related condition.

Allele frequency attached by ClinVar (database versions not stated): gnomAD exomes 0.00001; TOPMed 0.00001; gnomAD 0.00002.
gnomAD v4.1: 44 of 1,599,172 alleles (0.0028%); highest among the groups gnomAD compares: Non-Finnish European, 0.0036%; no homozygotes.

Submissions (2):

Labcorp Genetics (formerly Invitae), Labcorp
Classification: Uncertain significance. Last evaluated: 2025-11-11. Review status: criteria provided, single submitter. Criteria: Invitae Variant Classification Sherloc (09022015). Collection method: clinical testing. Allele origin: germline.
Comment: This sequence change falls in intron 16 of the TCF3 gene. It does not directly change the encoded amino acid sequence of the TCF3 protein. It affects a nucleotide within the consensus splice site. The frequency data for this variant in the population databases is considered unreliable, as metrics indicate poor data quality at this position in the gnomAD database. This variant has not been reported in the literature in individuals affected with TCF3-related conditions. ClinVar contains an entry for this variant (Variation ID: 1513899). Variants that disrupt the consensus splice site are a relatively common cause of aberrant splicing (PMID: 17576681, 9536098). Algorithms developed to predict the effect of sequence changes on RNA splicing suggest that this variant is not likely to affect RNA splicing. In summary, the available evidence is currently insufficient to determine the role of this variant in disease. Therefore, it has been classified as a Variant of Uncertain Significance.

PreventionGenetics, part of Exact Sciences
Classification: Likely benign for TCF3-related condition. Last evaluated: 2021-07-10. Review status: no assertion criteria provided. Collection method: clinical testing. Allele origin: germline. Not counted in ClinVar's aggregate classification.
Comment: This variant is classified as likely benign based on ACMG/AMP sequence variant interpretation guidelines (Richards et al. 2015 PMID: 25741868, with internal and published modifications).

Literature cited by the submitters: PubMed 17576681 (cited by Labcorp Genetics (formerly Invitae), Labcorp); PubMed 9536098 (cited by Labcorp Genetics (formerly Invitae), Labcorp).